The following is an entry in ClinVar:

ClinVar aggregate classification (germline): Uncertain significance (1 of 4 stars; one submission).

Submission:

Labcorp Genetics (formerly Invitae), Labcorp
Classification: Uncertain significance. Last evaluated: 2021-05-28. Review status: criteria provided, single submitter. Criteria: Invitae Variant Classification Sherloc (09022015). Collection method: clinical testing. Allele origin: germline.
Comment: In summary, the available evidence is currently insufficient to determine the role of this variant in disease. Therefore, it has been classified as a Variant of Uncertain Significance. Algorithms developed to predict the effect of missense changes on protein structure and function are either unavailable or do not agree on the potential impact of this missense change (SIFT: "Deleterious"; PolyPhen-2: "Benign"; Align-GVGD: "Class C0"). This variant has not been reported in the literature in individuals with FRAS1-related conditions. This variant is not present in population databases (ExAC no frequency). This sequence change replaces glutamic acid with glycine at codon 1448 of the FRAS1 protein (p.Glu1448Gly). The glutamic acid residue is highly conserved and there is a moderate physicochemical difference between glutamic acid and glycine.

NM_025074.7(FRAS1):c.4343A>G (p.Glu1448Gly)

Gene: FRAS1 (Fraser extracellular matrix complex subunit 1; plus strand). Cytogenetic location: 4q21.21.
Variant type: single nucleotide variant.
Coding change: c.4343A>G on transcript NM_025074.7 (MANE Select); coding-DNA position 4343, A replaced by G.
Protein change: p.Glu1448Gly; replaces glutamic acid 1448 with glycine.
Molecular consequence: missense variant.
Genome position (GRCh38, 1-based): chr4:78,413,003, A>G. VCF-style: chr4-78413003-A-G. GRCh37 (hg19) VCF-style: chr4-79334157-A-G.
Other names: c.4343A>G, p.Glu1448Gly (NM_001166133.2); short protein forms E1448G.
Identifiers: ClinVar variation 1473952 (VCV001473952.8), dbSNP rs2110360135, ClinGen allele CA357378814.